The following is an entry in ClinVar:

ClinVar aggregate classification (germline): Uncertain significance (1 of 4 stars; one submission).

Conditions:
Multiple endocrine neoplasia, type 2 (MEN2). Identifiers: Orphanet 653, MedGen C4048306, MONDO:0019003. Disease mechanism: gain of function.

Submission:

Labcorp Genetics (formerly Invitae), Labcorp
Classification: Uncertain significance for Multiple endocrine neoplasia, type 2. Last evaluated: 2024-12-12. Review status: criteria provided, single submitter. Criteria: Invitae Variant Classification Sherloc (09022015). Collection method: clinical testing. Allele origin: germline.
Comment: This sequence change replaces serine, which is neutral and polar, with arginine, which is basic and polar, at codon 1073 of the RET protein (p.Ser1073Arg). This variant is not present in population databases (gnomAD no frequency). This variant has not been reported in the literature in individuals affected with RET-related conditions. ClinVar contains an entry for this variant (Variation ID: 1389081). An algorithm developed to predict the effect of missense changes on protein structure and function (PolyPhen-2) suggests that this variant is likely to be disruptive. In summary, the available evidence is currently insufficient to determine the role of this variant in disease. Therefore, it has been classified as a Variant of Uncertain Significance.

NM_020975.6(RET):c.3219T>A (p.Ser1073Arg)

Gene: RET (ret proto-oncogene; plus strand). Cytogenetic location: 10q11.21.
Variant type: single nucleotide variant.
Coding change: c.3219T>A on transcript NM_020975.6 (MANE Select); coding-DNA position 3219, T replaced by A.
Protein change: p.Ser1073Arg; replaces serine 1073 with arginine.
Molecular consequence: missense variant.
Genome position (GRCh38, 1-based): chr10:43,128,143, T>A. VCF-style: chr10-43128143-T-A. GRCh37 (hg19) VCF-style: chr10-43623591-T-A.
Other names: short protein forms S1073R.
Identifiers: ClinVar variation 1389081 (VCV001389081.6), dbSNP rs1838374750, ClinGen allele CA376558887.
Genomic context (GRCh38, chr10:43,128,143, plus strand): 5'-CAGAACAAATGATCTGTTTTCATTTTTAGGCATGTCAGACCCGAACTGGCCTGGAGAGAG[T>A]CCTGTACCACTCACGAGAGCTGATGGCACTAACACTGGGTTTCCAAGATATCCAAATGAT-3'
Protein context (NP_066124.1, residues 1063-1083): GMSDPNWPGE[Ser1073Arg]PVPLTRADGT